The following is an entry in ClinVar:

NM_000017.4(ACADS):c.68G>A (p.Arg23Gln)

Gene: ACADS (acyl-CoA dehydrogenase short chain; plus strand). Cytogenetic location: 12q24.31.
Variant type: single nucleotide variant.
Coding change: c.68G>A on transcript NM_000017.4 (MANE Select); coding-DNA position 68, G replaced by A.
Protein change: p.Arg23Gln; replaces arginine 23 with glutamine.
Molecular consequence: missense variant.
Genome position (GRCh38, 1-based): chr12:120,727,047, G>A. VCF-style: chr12-120727047-G-A. GRCh37 (hg19) VCF-style: chr12-121164850-G-A.
Other names: c.68G>A, p.Arg23Gln (NM_001302554.2); short protein forms R23Q.
Identifiers: ClinVar variation 1021442 (VCV001021442.7), dbSNP rs773600043, ClinGen allele CA6830755.

ClinVar aggregate classification (germline): Uncertain significance (1 of 4 stars; one submission).

Conditions:
Deficiency of butyryl-CoA dehydrogenase (ACADSD). Also called: SCADH DEFICIENCY; ACADS DEFICIENCY; Short-Chain Acyl-CoA Dehydrogenase Deficiency; SCAD DEFICIENCY, MILD; ACYL-CoA DEHYDROGENASE, SHORT-CHAIN, DEFICIENCY OF; SCAD Deficiency. Identifiers: Orphanet 26792, MedGen C0342783, MONDO:0008722, OMIM 201470. Disease mechanism: May be benign.

Allele frequency attached by ClinVar (database versions not stated): ExAC 0.00001; gnomAD exomes 0.00001; TOPMed 0.00002.
gnomAD v4.1: 18 of 1,613,922 alleles (0.0011%); highest among the groups gnomAD compares: African/African-American, 0.0027%; no homozygotes.

Submission:

Labcorp Genetics (formerly Invitae), Labcorp
Classification: Uncertain significance for Deficiency of butyryl-CoA dehydrogenase. Last evaluated: 2023-04-07. Review status: criteria provided, single submitter. Criteria: Invitae Variant Classification Sherloc (09022015). Collection method: clinical testing. Allele origin: germline.
Comment: In summary, the available evidence is currently insufficient to determine the role of this variant in disease. Therefore, it has been classified as a Variant of Uncertain Significance. Advanced modeling of protein sequence and biophysical properties (such as structural, functional, and spatial information, amino acid conservation, physicochemical variation, residue mobility, and thermodynamic stability) performed at Invitae indicates that this missense variant is expected to disrupt ACADS protein function. ClinVar contains an entry for this variant (Variation ID: 1021442). This variant has not been reported in the literature in individuals affected with ACADS-related conditions. This variant is present in population databases (rs773600043, gnomAD 0.003%). This sequence change replaces arginine, which is basic and polar, with glutamine, which is neutral and polar, at codon 23 of the ACADS protein (p.Arg23Gln).